The following is an entry in ClinVar:

ClinVar aggregate classification (germline): Uncertain significance (1 of 4 stars; one submission).

Conditions:
Febrile seizures, familial, 8 (FEB8). Also called: CONVULSIONS, FAMILIAL FEBRILE, 8. Identifiers: Orphanet 36387, MedGen C1969810, MONDO:0011891, OMIM 607681.
EPILEPSY, CHILDHOOD ABSENCE, SUSCEPTIBILITY TO, 2 (ECA2). Identifiers: Orphanet 64280, MedGen C1843244, OMIM 607681.

Allele frequency attached by ClinVar (database versions not stated): gnomAD exomes below 0.00001.

Submission:

Labcorp Genetics (formerly Invitae), Labcorp
Classification: Uncertain significance for Febrile seizures, familial, 8; EPILEPSY, CHILDHOOD ABSENCE, SUSCEPTIBILITY TO, 2. Last evaluated: 2017-04-04. Review status: criteria provided, single submitter. Criteria: Invitae Variant Classification Sherloc (09022015). Collection method: clinical testing. Allele origin: germline.
Comment: In summary, this variant is a novel missense change with uncertain impact on protein function. It has been classified as a Variant of Uncertain Significance. Algorithms developed to predict the effect of missense changes on protein structure and function do not agree on the potential impact of this missense change (SIFT: "Tolerated"; PolyPhen-2: "Probably Damaging"; Align-GVGD: "Class C0"). This variant is not present in population databases (ExAC no frequency) and has not been reported in the literature in individuals with a GABRG2-related disease. This sequence change replaces serine with cysteine at codon 203 of the GABRG2 protein (p.Ser203Cys). The serine residue is highly conserved and there is a moderate physicochemical difference between serine and cysteine.

NM_198904.4(GABRG2):c.608C>G (p.Ser203Cys)

Gene: GABRG2 (gamma-aminobutyric acid type A receptor subunit gamma2; plus strand). Cytogenetic location: 5q34.
Variant type: single nucleotide variant.
Coding change: c.608C>G on transcript NM_198904.4 (MANE Select); coding-DNA position 608, C replaced by G.
Protein change: p.Ser203Cys; replaces serine 203 with cysteine.
Molecular consequence: missense variant.
Genome position (GRCh38, 1-based): chr5:162,101,294, C>G. VCF-style: chr5-162101294-C-G. GRCh37 (hg19) VCF-style: chr5-161528300-C-G.
Other names: c.608C>G, p.Ser203Cys (NM_000816.3, NM_001375340.1, NM_001375341.1 and 4 more transcripts); c.599C>G, p.Ser200Cys (NM_001375339.1); c.542C>G, p.Ser181Cys (NM_001375345.1, NM_001375346.1); c.521C>G, p.Ser174Cys (NM_001375347.1); c.188C>G, p.Ser63Cys (NM_001375348.1, NM_001375350.1); c.323C>G, p.Ser108Cys (NM_001375349.1); short protein forms S203C, S108C, S174C, S181C, S200C, S63C.
Identifiers: ClinVar variation 468867 (VCV000468867.9), dbSNP rs1334273668, ClinGen allele CA362184629.